The following is an entry in ClinVar:

NM_001198.4(PRDM1):c.239A>T (p.Glu80Val)

Gene: PRDM1 (PR/SET domain 1; plus strand). Cytogenetic location: 6q21.
Variant type: single nucleotide variant.
Coding change: c.239A>T on transcript NM_001198.4 (MANE Select); coding-DNA position 239, A replaced by T.
Protein change: p.Glu80Val; replaces glutamic acid 80 with valine.
Molecular consequence: missense variant.
Genome position (GRCh38, 1-based): chr6:106,088,397, A>T. VCF-style: chr6-106088397-A-T. GRCh37 (hg19) VCF-style: chr6-106536272-A-T.
Other names: short protein forms E80V.
Identifiers: ClinVar variation 3053989 (VCV003053989.2), dbSNP rs202200155, ClinGen allele CA3942065.

ClinVar aggregate classification (germline): Likely benign (0 of 4 stars; one submission).

Conditions:
PRDM1-related disorder. Also called: PRDM1-related condition.

Allele frequency attached by ClinVar (database versions not stated): TOPMed 0.00020; 1000 Genomes Project 30x 0.00172; 1000 Genomes Project 0.00180.
gnomAD v4.1: 154 of 1,614,204 alleles (0.0095%); highest among the groups gnomAD compares: East Asian, 0.23%; 2 homozygotes.

Submission:

PreventionGenetics, part of Exact Sciences
Classification: Likely benign for PRDM1-related condition. Last evaluated: 2022-07-20. Review status: no assertion criteria provided. Collection method: clinical testing. Allele origin: germline.
Comment: This variant is classified as likely benign based on ACMG/AMP sequence variant interpretation guidelines (Richards et al. 2015 PMID: 25741868, with internal and published modifications).